The following is an entry in ClinVar:

ClinVar aggregate classification (germline): Conflicting classifications of pathogenicity. Review status: criteria provided, conflicting classifications (1 of 4 stars). 2 submissions from 2 submitters: Uncertain significance (1); Likely benign (1). Last evaluated 2025-08-29.

Conditions:
Inborn genetic diseases. Identifiers: MedGen C0950123, MeSH D030342.

gnomAD v4.1: 1 of 1,614,152 alleles (0.000062%); highest among the groups gnomAD compares: South Asian, 0.0011%; no homozygotes.

Submissions (2):

Ambry Genetics
Classification: Likely benign for Inborn genetic diseases. Last evaluated: 2025-08-29. Review status: criteria provided, single submitter. Criteria: Ambry Variant Classification Scheme 2023. Collection method: clinical testing. Allele origin: germline.

Mayo Clinic Laboratories, Mayo Clinic
Classification: Uncertain significance. Last evaluated: 2025-02-07. Review status: criteria provided, single submitter. Criteria: ACMG Guidelines, 2015. Collection method: clinical testing. Allele origin: germline. Observed: 1 variant allele.
Comment: BP4_moderate, PM2_supporting

NM_014915.3(ANKRD26):c.502T>C (p.Tyr168His)

Gene: ANKRD26 (ankyrin repeat domain 26; minus strand). Cytogenetic location: 10p12.1.
Variant type: single nucleotide variant.
Coding change: c.502T>C on transcript NM_014915.3 (MANE Select); coding-DNA position 502, T replaced by C.
Protein change: p.Tyr168His; replaces tyrosine 168 with histidine.
Molecular consequence: missense variant.
Genome position (GRCh38, 1-based): chr10:27,093,378, A>G on the plus strand (T>C on the coding strand, the complement: ANKRD26 is on the minus strand). VCF-style: chr10-27093378-A-G. GRCh37 (hg19) VCF-style: chr10-27382307-A-G.
Other names: p.Tyr168His; c.502T>C, p.Tyr168His (NM_001256053.2); short protein forms Y168H.
Identifiers: ClinVar variation 4104530 (VCV004104530.2).